The following is an entry in ClinVar:

NM_002878.4(RAD51D):c.215del (p.Tyr72fs)

Genes: RAD51D (RAD51 paralog D; minus strand), RAD51L3-RFFL (RAD51L3-RFFL readthrough; minus strand). Cytogenetic location: 17q12.
Variant type: Deletion.
Coding change: c.215del on transcript NM_002878.4 (MANE Select); coding-DNA position 215, one base deleted (A; older notation c.215delA).
Protein change: p.Tyr72fs; shifts the reading frame from tyrosine 72.
Molecular consequence: frameshift variant. On other transcripts: intron variant (2).
Genome position (GRCh38, 1-based): chr17:35,118,549, T deleted on the plus strand (A on the coding strand, the reverse complement: RAD51D is on the minus strand). VCF-style (leftmost placement, unchanged base first): chr17-35118548-GT-G. GRCh37 (hg19) VCF-style: chr17-33445567-GT-G.
Other names: c.144+562del (NM_133629.3, NM_001142571.2); c.215del (NM_002878.3); short protein forms Y72fs.
Identifiers: ClinVar variation 1075993 (VCV001075993.12), dbSNP rs2142474090, ClinGen allele CA2499224281.

ClinVar aggregate classification (germline): Conflicting classifications of pathogenicity. Review status: criteria provided, conflicting classifications (1 of 4 stars). 5 submissions from 5 submitters: Pathogenic (4); Uncertain significance (1). Last evaluated 2024-02-23.

Conditions:
Deleterious RAD51D Gene Mutation. Identifiers: MedGen C4329712.
Breast-ovarian cancer, familial, susceptibility to, 4. Identifiers: Orphanet 145, MedGen C3280345, MONDO:0013669, OMIM 614291.

Submissions (5):

Labcorp Genetics (formerly Invitae), Labcorp
Classification: Pathogenic for Breast-ovarian cancer, familial, susceptibility to, 4. Last evaluated: 2024-02-23. Review status: criteria provided, single submitter. Criteria: Invitae Variant Classification Sherloc (09022015). Collection method: clinical testing. Allele origin: germline.
Comment: This sequence change creates a premature translational stop signal (p.Tyr72Serfs*4) in the RAD51D gene. It is expected to result in an absent or disrupted protein product. Loss-of-function variants in RAD51D are known to be pathogenic (PMID: 21822267). This variant is not present in population databases (gnomAD no frequency). This variant has not been reported in the literature in individuals affected with RAD51D-related conditions. ClinVar contains an entry for this variant (Variation ID: 1075993). Algorithms developed to predict the effect of sequence changes on RNA splicing suggest that this variant may disrupt the consensus splice site. For these reasons, this variant has been classified as Pathogenic.

Myriad Genetics, Inc.
Classification: Pathogenic for Breast-ovarian cancer, familial, susceptibility to, 4. Last evaluated: 2024-01-04. Review status: criteria provided, single submitter. Criteria: Myriad Autosomal Dominant, Autosomal Recessive and X-Linked Classification Criteria (2023). Collection method: clinical testing. Allele origin: unknown.
Comment: This variant is considered pathogenic. This variant creates a frameshift predicted to result in premature protein truncation.

GeneDx
Classification: Uncertain significance. Last evaluated: 2022-04-11. Review status: criteria provided, single submitter. Criteria: GeneDx Variant Classification Process June 2021. Collection method: clinical testing. Allele origin: germline. Affected: yes.
Comment: Frameshift variant in exon 3 predicted to result in protein truncation or nonsense mediated decay in a gene for which loss-of-function is a known mechanism of disease; however RNA studies demonstrate a naturally occurring isoform lacking exon 3 in multiple tissues (Davy 2017, Brandao 2019); Not observed at significant frequency in large population cohorts (gnomAD); Observed in an individual with pancreatic cancer (Boni 2021); This variant is associated with the following publications: (PMID: 28905878, 30623411, 34923718)

Fulgent Genetics
Classification: Pathogenic for Breast-ovarian cancer, familial, susceptibility to, 4. Last evaluated: 2021-12-20. Review status: criteria provided, single submitter. Criteria: ACMG Guidelines, 2015. Collection method: clinical testing. Allele origin: unknown.

Hereditary Cancer Group, L’Institut d'Investigació Biomèdica de Bellvitge
Classification: Pathogenic for Deleterious RAD51D Gene Mutation. Last evaluated: 2021-06-08. Review status: criteria provided, single submitter. Criteria: ACMG Guidelines, 2015. Collection method: clinical testing. Allele origin: germline. Inheritance: Autosomal dominant inheritance. Affected: yes.

Literature cited by the submitters: PubMed 21822267 (cited by Labcorp Genetics (formerly Invitae), Labcorp).